The following is an entry in ClinVar:

ClinVar aggregate classification (germline): Pathogenic. Review status: criteria provided, multiple submitters, no conflicts (2 of 4 stars). 21 submissions from 20 submitters: Pathogenic (14). 7 of the submissions do not count toward it. Last evaluated 2026-05-28.

Conditions:
ABCB11-related disorder. Also called: ABCB11-related condition.
Familial intrahepatic cholestasis. Identifiers: Orphanet 284385, MedGen CN296401, MONDO:0017290.
Progressive familial intrahepatic cholestasis (PFIC). Also called: Progressive intrahepatic cholestasis; Progressive family intrahepatic cholestasis. Identifiers: Orphanet 172, MedGen C0268312, MONDO:0015762.
Cholestasis, intrahepatic, of pregnancy, 3. Identifiers: Orphanet 69665, MedGen C3554241, MONDO:0013995, OMIM 614972.
Progressive familial intrahepatic cholestasis type 2. Identifiers: Orphanet 79304, MedGen C3489789, MONDO:0011156, OMIM 601847.
Benign recurrent intrahepatic cholestasis type 2 (BRIC2). Also called: Recurrent familial intrahepatic cholestasis 2. Identifiers: Orphanet 65682, Orphanet 99961, MedGen C2608083, MONDO:0011559, OMIM 605479.

Allele frequency attached by ClinVar (database versions not stated): gnomAD 0.00011; TOPMed 0.00014; gnomAD exomes 0.00025 and 0.00028; ExAC 0.00031.
gnomAD v4.1: 428 of 1,613,006 alleles (0.027%); highest among the groups gnomAD compares: Non-Finnish European, 0.034%; no homozygotes.

Submissions (21):

PreventionGenetics, part of Exact Sciences
Classification: Pathogenic for ABCB11-related condition. Last evaluated: 2026-05-28. Review status: criteria provided, single submitter. Criteria: ACMG Guidelines, 2015. Collection method: clinical testing. Allele origin: germline.
Comment: The ABCB11 c.890A>G variant is predicted to result in the amino acid substitution p.Glu297Gly. This variant has been reported to be pathogenic for intrahepatic cholestasis due to protein misfolding (Strautnieks et al. 1998. PubMed ID: 9806540; Strautnieks et al. 2008. PubMed ID: 18395098; Arnell et al. 2010. PubMed ID: 20683202; Wang et al. 2002. PubMed ID: 12370274). This variant is reported in 0.044% of alleles in individuals of European (non-Finnish) descent in gnomAD. This variant is interpreted as pathogenic.

Genomenon, Inc
Classification: Pathogenic for Familial intrahepatic cholestasis. Last evaluated: 2026-04-14. Review status: criteria provided, single submitter. Criteria: Genomenon Sequence Variant Interpretation Standards - Updated. Collection method: curation. Allele origin: germline. Affected: yes.
Comment: ABCB11 p.Glu297Gly (c.890A>G) is a missense variant that changes the amino acid at residue 297 from Glutamic acid to Glycine. This variant has been observed in at least one proband with an ABCB11-related disorder (PMID:28733223;9806540;16039748;20232290;16871584). It has been observed in trans with a pathogenic or likely pathogenic variant (PMID:20232290;16871584). At least one functional study has demonstrated a substantial alteration in protein function relative to the wild-type (PMID:40195555;17947449;17855769;20010382;12370274). It is absent or not present at a significant frequency in gnomAD. In silico models predict that this variant is possibly or probably damaging. In conclusion, we classify ABCB11 p.Glu297Gly (c.890A>G) as a pathogenic variant.

Labcorp Genetics (formerly Invitae), Labcorp
Classification: Pathogenic. Last evaluated: 2026-01-17. Review status: criteria provided, single submitter. Criteria: Invitae Variant Classification Sherloc (09022015). Collection method: clinical testing. Allele origin: germline.
Comment: This sequence change replaces glutamic acid, which is acidic and polar, with glycine, which is neutral and non-polar, at codon 297 of the ABCB11 protein (p.Glu297Gly). This variant is present in population databases (rs11568372, gnomAD 0.04%). This missense change has been observed in individuals with progressive familial intrahepatic cholestasis (PMID: 9806540, 19101985). It has also been observed to segregate with disease in related individuals. ClinVar contains an entry for this variant (Variation ID: 6590). Invitae Evidence Modeling of protein sequence and biophysical properties (such as structural, functional, and spatial information, amino acid conservation, physicochemical variation, residue mobility, and thermodynamic stability) has been performed for this missense variant. However, the output from this modeling did not meet the statistical confidence thresholds required to predict the impact of this variant on ABCB11 protein function. Experimental studies have shown that this missense change affects ABCB11 function (PMID: 12370274, 17855769, 19101985). For these reasons, this variant has been classified as Pathogenic.

Natera, Inc.
Classification: Pathogenic for Progressive familial intrahepatic cholestasis type 2. Last evaluated: 2025-12-15. Review status: criteria provided, single submitter. Criteria: Natera Variant Classification Schema (03/2026). Collection method: clinical testing. Allele origin: germline.
Comment: The c.890A>G variant in ABCB11 is a missense variant predicted to cause substitution of glutamic acid to glycine at amino acid 297. This variant is rare in the general population with a frequency below the threshold expected for the associated phenotype(s). This variant has been observed in one or more individuals affected with the associated recessive disease, as either homozygous or compound heterozygous with a second variant (PMID: 18395098). Given the available evidence, this variant is classified as Pathogenic.

Blueprint Genetics
Classification: Pathogenic for ABCB11-related disorders. Last evaluated: 2024-08-28. Review status: criteria provided, single submitter. Criteria: ACMG Guidelines, 2015. Collection method: clinical testing. Allele origin: germline. Affected: yes. Observed: 5 variant alleles.

Baylor Genetics
Classification: Pathogenic for Benign recurrent intrahepatic cholestasis type 2. Last evaluated: 2024-03-27. Review status: criteria provided, single submitter. Criteria: ACMG Guidelines, 2015. Collection method: clinical testing. Allele origin: unknown.

Revvity Omics, Revvity
Classification: Pathogenic. Last evaluated: 2024-03-26. Review status: criteria provided, single submitter. Criteria: ACMG Guidelines, 2015. Collection method: clinical testing. Allele origin: germline.

Mayo Clinic Laboratories, Mayo Clinic
Classification: Pathogenic. Last evaluated: 2023-03-01. Review status: criteria provided, single submitter. Criteria: ACMG Guidelines, 2015. Collection method: clinical testing. Allele origin: germline. Observed: 1 variant allele.
Comment: PP3, PM2, PS3, PS4

Department of Pathology and Laboratory Medicine, Sinai Health System
Classification: Pathogenic for Progressive familial intrahepatic cholestasis type 2; Benign recurrent intrahepatic cholestasis type 2. Last evaluated: 2023-02-06. Review status: criteria provided, single submitter. Criteria: ACMG Guidelines, 2015. Collection method: research. Allele origin: germline.

CeGaT Center for Human Genetics Tuebingen
Classification: Pathogenic. Last evaluated: 2023-01-01. Review status: criteria provided, single submitter. Criteria: CeGaT Center For Human Genetics Tuebingen Variant Classification Criteria Version 2. Collection method: clinical testing. Allele origin: germline. Affected: yes. Observed: 2 variant alleles.
Comment: ABCB11: PM2, PM3, PP1:Moderate, PP4:Moderate, PS3:Supporting, PS4:Supporting

GeneDx
Classification: Pathogenic. Last evaluated: 2022-01-19. Review status: criteria provided, single submitter. Criteria: GeneDx Variant Classification Process June 2021. Collection method: clinical testing. Allele origin: germline. Affected: yes.
Comment: Published functional studies demonstrate a damaging effect (severe protein dysfunction) (Wang et al., 2002; Byrne et al., 2009); In silico analysis supports that this missense variant has a deleterious effect on protein structure/function; This variant is associated with the following publications: (PMID: 18987030, 17855769, 24991443, 19101985, 18395098, 15791618, 20683202, 28776642, 29761168, 28733223, 32581362, 31589614, 34016879, 31319225, 9806540, 12370274)

MGZ Medical Genetics Center
Classification: Pathogenic for Progressive familial intrahepatic cholestasis type 2. Last evaluated: 2021-10-12. Review status: criteria provided, single submitter. Criteria: ACMG Guidelines, 2015. Collection method: clinical testing. Allele origin: germline. Affected: yes. Observed: 2 variant alleles.
Comment: ACMG criteria applied: PM3_STR, PS3_MOD, PS4_MOD, PM2_SUP, PP3

Eurofins Ntd Llc (ga)
Classification: Pathogenic. Last evaluated: 2018-05-10. Review status: criteria provided, single submitter. Criteria: EGL ClinVar v180209 classification definitions. Collection method: clinical testing. Allele origin: germline. Observed: 12 variant alleles, 9 heterozygotes, 3 homozygotes.

Illumina Laboratory Services, Illumina
Classification: Pathogenic for Familial Intrahepatic Cholestasis. Last evaluated: 2016-06-14. Review status: criteria provided, single submitter. Criteria: ICSL Variant Classification 20161018. Collection method: clinical testing. Allele origin: germline.
Comment: Across a selection of available literature, the c.890A>G (p.Glu297Gly) variant has been identified in a homozygous state in at least 16 familial intrahepatic cholestasis patients, in a compound heterozygous state in 27 patients, and in a heterozygous state in four patients in whom a second variant was not identified (Strautnieks et al. 1998; Strautnieks et al. 2008; Arnell et al. 2008). The p.Glu297Gly variant was found in a heterozygous state in one of 250 controls and is reported at a frequency of 0.00049 in the European (Non-Finnish) population of the Exome Aggregation Consortium. In vitro functional studies demonstrated that the variant destroys a cryptic splice site, leading to approximately 50% of wild type splicing, and disrupts the processing and trafficking of the ABCB11 protein (Hayashi et al. 2005; Byrne et al. 2009). Based on the collective evidence, the p.Glu297Gly variant is classified as pathogenic for familial intrahepatic cholestasis.

OMIM
Classification: Pathogenic for CHOLESTASIS, PROGRESSIVE FAMILIAL INTRAHEPATIC, 2. Last evaluated: 2005-09-01. Review status: no assertion criteria provided. Collection method: literature only. Allele origin: germline. Not counted in ClinVar's aggregate classification.

OMIM
Classification: Pathogenic for CHOLESTASIS, BENIGN RECURRENT INTRAHEPATIC, 2. Last evaluated: 2005-09-01. Review status: no assertion criteria provided. Collection method: literature only. Allele origin: germline. Not counted in ClinVar's aggregate classification.

Clinical Genetics DNA and cytogenetics Diagnostics Lab, Erasmus MC, Erasmus Medical Center
Classification: Pathogenic. Review status: no assertion criteria provided. Collection method: clinical testing. Allele origin: germline. Affected: yes. Study: VKGL Data-share Consensus. Not counted in ClinVar's aggregate classification.

Diagnostic Laboratory, Department of Genetics, University Medical Center Groningen
Classification: Pathogenic. Review status: no assertion criteria provided. Collection method: clinical testing. Allele origin: germline. Affected: yes. Study: VKGL Data-share Consensus. Not counted in ClinVar's aggregate classification.

Genome Diagnostics Laboratory, University Medical Center Utrecht
Classification: Pathogenic. Review status: no assertion criteria provided. Collection method: clinical testing. Allele origin: germline. Affected: yes. Study: VKGL Data-share Consensus. Not counted in ClinVar's aggregate classification.

Joint Genome Diagnostic Labs from Nijmegen and Maastricht, Radboudumc and MUMC+
Classification: Pathogenic. Review status: no assertion criteria provided. Collection method: clinical testing. Allele origin: germline. Affected: yes. Study: VKGL Data-share Consensus. Not counted in ClinVar's aggregate classification.

NIHR Bioresource Rare Diseases, University of Cambridge
Classification: Pathogenic for Cholestasis, intrahepatic, of pregnancy, 3. Review status: no assertion criteria provided. Collection method: research. Allele origin: unknown. Affected: yes. Observed: 1 variant allele. Not counted in ClinVar's aggregate classification.

Literature cited by the submitters: PubMed 28733223 (cited by Genomenon, Inc and Mayo Clinic Laboratories, Mayo Clinic); PubMed 9806540 (cited by 5 submitters); PubMed 16039748 (cited by 3 submitters); PubMed 20232290 (cited by Genomenon, Inc); PubMed 16871584 (cited by Genomenon, Inc); PubMed 40195555 (cited by Genomenon, Inc); PubMed 17947449 (cited by Genomenon, Inc); PubMed 17855769 (cited by 4 submitters); PubMed 20010382 (cited by Genomenon, Inc); PubMed 12370274 (cited by 3 submitters); PubMed 19101985 (cited by Labcorp Genetics (formerly Invitae), Labcorp and Mayo Clinic Laboratories, Mayo Clinic); PubMed 18395098 (cited by 3 submitters); PubMed 10579978 (cited by OMIM); PubMed 15300568 (cited by OMIM); PubMed 32581362 (cited by NIHR Bioresource Rare Diseases, University of Cambridge).

NM_003742.4(ABCB11):c.890A>G (p.Glu297Gly)

Gene: ABCB11 (ATP binding cassette subfamily B member 11; minus strand). Cytogenetic location: 2q31.1.
Variant type: single nucleotide variant.
Coding change: c.890A>G on transcript NM_003742.4 (MANE Select); coding-DNA position 890, A replaced by G.
Protein change: p.Glu297Gly; replaces glutamic acid 297 with glycine.
Molecular consequence: missense variant.
Genome position (GRCh38, 1-based): chr2:168,990,819, T>C on the plus strand (A>G on the coding strand, the complement: ABCB11 is on the minus strand). VCF-style: chr2-168990819-T-C. GRCh37 (hg19) VCF-style: chr2-169847329-T-C.
Other names: c.890A>G, p.Glu297Gly (LRG_1199t1); short protein forms E297G.
Identifiers: ClinVar variation 6590 (VCV000006590.75), dbSNP rs11568372, ClinGen allele CA253878.
Genomic context (GRCh38, chr2:168,990,819, plus strand): 5'-ATTGATGAAATTAAGGAAAGAATCAGATTCCAATTAACCAACCTTTCAACCTCTCTTTTC[T>C]CACCACCAAAAGCAGCCACTGTTCTCATTGATGAAATGACTTCATCAGCCACCACCCCTG-3'
Protein context (NP_003733.2, residues 287-307): SMRTVAAFGG[Glu297Gly]KREVERYEKN